The following is an entry in ClinVar:

NM_006946.4(SPTBN2):c.430G>A (p.Gly144Arg)

Gene: SPTBN2 (spectrin beta, non-erythrocytic 2; minus strand). Cytogenetic location: 11q13.2.
Variant type: single nucleotide variant.
Coding change: c.430G>A on transcript NM_006946.4 (MANE Select); coding-DNA position 430, G replaced by A.
Protein change: p.Gly144Arg; replaces glycine 144 with arginine.
Molecular consequence: missense variant.
Genome position (GRCh38, 1-based): chr11:66,715,275, C>T on the plus strand (G>A on the coding strand, the complement: SPTBN2 is on the minus strand). VCF-style: chr11-66715275-C-T. GRCh37 (hg19) VCF-style: chr11-66482746-C-T.
Other names: c.451G>A, p.Gly151Arg (NM_001411025.1); short protein forms G144R, G151R.
Identifiers: ClinVar variation 1925612 (VCV001925612.5), dbSNP rs2496554180, ClinGen allele CA381483660.

ClinVar aggregate classification (germline): Uncertain significance (1 of 4 stars; one submission).

Allele frequency attached by ClinVar (database versions not stated): gnomAD exomes below 0.00001.

Submission:

Labcorp Genetics (formerly Invitae), Labcorp
Classification: Uncertain significance. Last evaluated: 2022-07-06. Review status: criteria provided, single submitter. Criteria: Invitae Variant Classification Sherloc (09022015). Collection method: clinical testing. Allele origin: germline.
Comment: In summary, the available evidence is currently insufficient to determine the role of this variant in disease. Therefore, it has been classified as a Variant of Uncertain Significance. Algorithms developed to predict the effect of sequence changes on RNA splicing suggest that this variant may create or strengthen a splice site. Advanced modeling of protein sequence and biophysical properties (such as structural, functional, and spatial information, amino acid conservation, physicochemical variation, residue mobility, and thermodynamic stability) performed at Invitae indicates that this missense variant is expected to disrupt SPTBN2 protein function. This variant has not been reported in the literature in individuals affected with SPTBN2-related conditions. This variant is not present in population databases (gnomAD no frequency). This sequence change replaces glycine, which is neutral and non-polar, with arginine, which is basic and polar, at codon 144 of the SPTBN2 protein (p.Gly144Arg).